The following is an entry in ClinVar:

NM_001040108.2(MLH3):c.1153G>C (p.Asp385His)

Gene: MLH3 (mutL homolog 3; minus strand). Cytogenetic location: 14q24.3.
Variant type: single nucleotide variant.
Coding change: c.1153G>C on transcript NM_001040108.2 (MANE Select); coding-DNA position 1153, G replaced by C.
Protein change: p.Asp385His; replaces aspartic acid 385 with histidine.
Molecular consequence: missense variant.
Genome position (GRCh38, 1-based): chr14:75,048,503, C>G on the plus strand (G>C on the coding strand, the complement: MLH3 is on the minus strand). VCF-style: chr14-75048503-C-G. GRCh37 (hg19) VCF-style: chr14-75515206-C-G.
Other names: c.1153G>C, p.Asp385His (NM_014381.3); c.1153G>C (NM_001040108.1); short protein forms D385H.
Identifiers: ClinVar variation 1541570 (VCV001541570.11), dbSNP rs201389281, ClinGen allele CA7275914.

ClinVar aggregate classification (germline): Conflicting classifications of pathogenicity. Review status: criteria provided, conflicting classifications (1 of 4 stars). 4 submissions from 4 submitters: Uncertain significance (2); Likely benign (2). Last evaluated 2026-01-26.

Conditions:
Colorectal cancer, hereditary nonpolyposis, type 7. Identifiers: Orphanet 144, MedGen C1858380, MONDO:0013725, OMIM 614385.

gnomAD v4.1: 137 of 1,613,058 alleles (0.0085%); highest among the groups gnomAD compares: Middle Eastern, 0.016%; no homozygotes.

Submissions (4):

Labcorp Genetics (formerly Invitae), Labcorp
Classification: Likely benign for Colorectal cancer, hereditary nonpolyposis, type 7. Last evaluated: 2026-01-26. Review status: criteria provided, single submitter. Criteria: Invitae Variant Classification Sherloc (09022015). Collection method: clinical testing. Allele origin: germline.

Center for Genomic Medicine, Rigshospitalet, Copenhagen University Hospital
Classification: Uncertain significance. Last evaluated: 2025-03-04. Review status: criteria provided, single submitter. Criteria: ACMG Guidelines, 2015. Collection method: clinical testing. Allele origin: germline.

Ambry Genetics
Classification: Uncertain significance. Last evaluated: 2023-02-02. Review status: criteria provided, single submitter. Criteria: Ambry Variant Classification Scheme 2023. Collection method: clinical testing. Allele origin: germline.
Comment: The p.D385H variant (also known as c.1153G>C), located in coding exon 1 of the MLH3 gene, results from a G to C substitution at nucleotide position 1153. The aspartic acid at codon 385 is replaced by histidine, an amino acid with similar properties. This alteration was detected in 0/30 probands with colorectal cancer and 1/90 cancer-free controls (Hienonen T et al. Int J Cancer, 2003 Aug;106:292-6). This amino acid position is not well conserved in available vertebrate species, and histidine is the reference amino acid in other vertebrate species. In addition, this alteration is predicted to be tolerated by in silico analysis. The evidence for this gene-disease relationship is limited; therefore, the clinical significance of this alteration is unclear.

Blueprint Genetics
Classification: Likely benign. Last evaluated: 2023-01-26. Review status: criteria provided, single submitter. Criteria: ACMG Guidelines, 2015. Collection method: clinical testing. Allele origin: germline.

Literature cited by the submitters: PubMed 12800209 (cited by Ambry Genetics).